The following is an entry in ClinVar:

NM_030777.4(SLC2A10):c.756C>A (p.Cys252Ter)

Gene: SLC2A10 (solute carrier family 2 member 10; plus strand). Cytogenetic location: 20q13.12.
Variant type: single nucleotide variant.
Coding change: c.756C>A on transcript NM_030777.4 (MANE Select); coding-DNA position 756, C replaced by A.
Protein change: p.Cys252Ter; replaces cysteine 252 with a stop codon.
Molecular consequence: nonsense.
Genome position (GRCh38, 1-based): chr20:46,725,792, C>A. VCF-style: chr20-46725792-C-A. GRCh37 (hg19) VCF-style: chr20-45354431-C-A.
Other names: short protein forms C252*.
Identifiers: ClinVar variation 161098 (VCV000161098.3), dbSNP rs864309478, ClinGen allele CA347710.

ClinVar aggregate classification (germline): Pathogenic. Review status: criteria provided, single submitter (1 of 4 stars). 2 submissions from 2 submitters: Pathogenic (1). 1 of the submissions does not count toward it. Last evaluated 2025-09-02.

Conditions:
Arterial tortuosity syndrome (ATORS). Identifiers: Orphanet 3342, MedGen C1859726, MONDO:0008818, OMIM 208050.

Submissions (2):

Labcorp Genetics (formerly Invitae), Labcorp
Classification: Pathogenic for Arterial tortuosity syndrome. Last evaluated: 2025-09-02. Review status: criteria provided, single submitter. Criteria: Invitae Variant Classification Sherloc (09022015). Collection method: clinical testing. Allele origin: germline.
Comment: This sequence change creates a premature translational stop signal (p.Cys252*) in the SLC2A10 gene. It is expected to result in an absent or disrupted protein product. Loss-of-function variants in SLC2A10 are known to be pathogenic (PMID: 17935213, 22488877, 23494979). This variant is not present in population databases (gnomAD no frequency). This premature translational stop signal has been observed in individual(s) with arterial tortuosity syndrome (PMID: 18818946). ClinVar contains an entry for this variant (Variation ID: 161098). For these reasons, this variant has been classified as Pathogenic.

GeneReviews
No classification provided. Condition: Arterial tortuosity syndrome. Review status: no classification provided. Collection method: literature only. Allele origin: germline. Affected: yes. Not counted in ClinVar's aggregate classification.

Literature cited by the submitters: PubMed 17935213 (cited by Labcorp Genetics (formerly Invitae), Labcorp); PubMed 22488877 (cited by Labcorp Genetics (formerly Invitae), Labcorp); PubMed 23494979 (cited by Labcorp Genetics (formerly Invitae), Labcorp and GeneReviews); PubMed 18818946 (cited by Labcorp Genetics (formerly Invitae), Labcorp and GeneReviews); PubMed 19781076 (cited by GeneReviews); NCBI Bookshelf NBK253404 (cited by GeneReviews).